The following is an entry in ClinVar:

NM_017547.4(FOXRED1):c.306G>A (p.Thr102=)

Gene: FOXRED1 (FAD dependent oxidoreductase domain containing 1; plus strand). Cytogenetic location: 11q24.2.
Variant type: single nucleotide variant.
Coding change: c.306G>A on transcript NM_017547.4 (MANE Select); coding-DNA position 306, G replaced by A.
Protein change: p.Thr102=; no amino-acid change (threonine 102 retained).
Molecular consequence: synonymous variant. On other transcripts: non-coding transcript variant (1).
Genome position (GRCh38, 1-based): chr11:126,271,657, G>A. VCF-style: chr11-126271657-G-A. GRCh37 (hg19) VCF-style: chr11-126141552-G-A.
Identifiers: ClinVar variation 2067035 (VCV002067035.1), dbSNP rs761493658, ClinGen allele CA6354025.
Genomic context (GRCh38, chr11:126,271,657, plus strand): 5'-GAAGAAGCTGGAGAGCAGACGAGGTGCTATTCGAGTGCTAGTGGTGGAACGGGACCACAC[G>A]GTGAGGTCTGGGGTAGGGCAGAGTCATGAGTGGGGCAAGAAAGATGACTCATTTTATTAA-3'
Protein context (NP_060017.1, residues 92-112): IRVLVVERDH[Thr102=]YSQASTGLSV

ClinVar aggregate classification (germline): Uncertain significance (1 of 4 stars; one submission).

Allele frequency attached by ClinVar (database versions not stated): TOPMed below 0.00001; ExAC 0.00001; gnomAD exomes 0.00001.
gnomAD v4.1: 17 of 1,611,624 alleles (0.0011%); highest among the groups gnomAD compares: Admixed American, 0.0017%; no homozygotes.

Submission:

Labcorp Genetics (formerly Invitae), Labcorp
Classification: Uncertain significance. Last evaluated: 2022-04-01. Review status: criteria provided, single submitter. Criteria: Invitae Variant Classification Sherloc (09022015). Collection method: clinical testing. Allele origin: germline.
Comment: This sequence change affects codon 102 of the FOXRED1 mRNA. It is a 'silent' change, meaning that it does not change the encoded amino acid sequence of the FOXRED1 protein. This variant also falls at the last nucleotide of exon 2, which is part of the consensus splice site for this exon. This variant is present in population databases (rs761493658, gnomAD 0.003%). This variant has not been reported in the literature in individuals affected with FOXRED1-related conditions. Variants that disrupt the consensus splice site are a relatively common cause of aberrant splicing (PMID: 17576681, 9536098). Algorithms developed to predict the effect of sequence changes on RNA splicing suggest that this variant may disrupt the consensus splice site. In summary, the available evidence is currently insufficient to determine the role of this variant in disease. Therefore, it has been classified as a Variant of Uncertain Significance.

Literature cited by the submitters: PubMed 17576681; PubMed 9536098.